The following is an entry in ClinVar:

ClinVar aggregate classification (germline): Pathogenic (1 of 4 stars; one submission).

Conditions:
Nemaline myopathy 2 (NEM2). Also called: Nemaline myopathy 2, autosomal recessive. Identifiers: MedGen C1850569, MONDO:0009725, OMIM 256030.

Submission:

Myriad Genetics, Inc.
Classification: Pathogenic for Nemaline myopathy 2. Last evaluated: 2025-04-05. Review status: criteria provided, single submitter. Criteria: Myriad Autosomal Dominant, Autosomal Recessive and X-Linked Classification Criteria (2023). Collection method: clinical testing. Allele origin: unknown.
Comment: NM_001271208.1(NEB):c.10483A>T(K3495*) is expected to be pathogenic in the context of NEB-related nemaline myopathy. This variant is predicted to lead to an abnormal or absent protein product due to the creation of a premature termination codon in NEB, a gene where loss-of-function variants are known to be pathogenic. Please note: this variant was assessed in the context of healthy population screening.

NM_001164508.2(NEB):c.10483A>T (p.Lys3495Ter)

Gene: NEB (nebulin; minus strand). Cytogenetic location: 2q23.3.
Variant type: single nucleotide variant.
Coding change: c.10483A>T on transcript NM_001164508.2 (MANE Select); coding-DNA position 10483, A replaced by T.
Protein change: p.Lys3495Ter; replaces lysine 3495 with a stop codon.
Molecular consequence: nonsense.
Genome position (GRCh38, 1-based): chr2:151,620,996, T>A on the plus strand (A>T on the coding strand, the complement: NEB is on the minus strand). VCF-style: chr2-151620996-T-A. GRCh37 (hg19) VCF-style: chr2-152477510-T-A.
Other names: c.10483A>T, p.Lys3495Ter (NM_001164507.2, NM_001271208.2); c.9754A>T, p.Lys3252Ter (NM_004543.5); short protein forms K3252*, K3495*.
Identifiers: ClinVar variation 5014304 (VCV005014304.1).